The following is an entry in ClinVar:

NM_013266.4(CTNNA3):c.2215T>C (p.Ser739Pro)

Gene: CTNNA3 (catenin alpha 3; minus strand). Cytogenetic location: 10q21.3.
Variant type: single nucleotide variant.
Coding change: c.2215T>C on transcript NM_013266.4 (MANE Select); coding-DNA position 2215, T replaced by C.
Protein change: p.Ser739Pro; replaces serine 739 with proline.
Molecular consequence: missense variant.
Genome position (GRCh38, 1-based): chr10:65,988,742, A>G on the plus strand (T>C on the coding strand, the complement: CTNNA3 is on the minus strand). VCF-style: chr10-65988742-A-G. GRCh37 (hg19) VCF-style: chr10-67748500-A-G.
Other names: c.2215T>C, p.Ser739Pro (NM_001127384.3); short protein forms S739P.
Identifiers: ClinVar variation 4008016 (VCV004008016.3).

ClinVar aggregate classification (germline): Uncertain significance. Review status: criteria provided, multiple submitters, no conflicts (2 of 4 stars). 3 submissions from 3 submitters: Uncertain significance (3). Last evaluated 2025-08-24.

Conditions:
Arrhythmogenic right ventricular dysplasia 13. Also called: Arrhythmogenic right ventricular dysplasia, familial, 13; ARRHYTHMOGENIC RIGHT VENTRICULAR CARDIOMYOPATHY 13. Identifiers: MedGen C3810138, MONDO:0000908, OMIM 615616.

gnomAD v4.1: 2 of 1,614,098 alleles (0.00012%); highest among the groups gnomAD compares: Non-Finnish European, 0.00017%; no homozygotes.

Submissions (3):

Labcorp Genetics (formerly Invitae), Labcorp
Classification: Uncertain significance for Arrhythmogenic right ventricular dysplasia 13. Last evaluated: 2025-08-24. Review status: criteria provided, single submitter. Criteria: Invitae Variant Classification Sherloc (09022015). Collection method: clinical testing. Allele origin: germline.
Comment: This sequence change replaces serine, which is neutral and polar, with proline, which is neutral and non-polar, at codon 739 of the CTNNA3 protein (p.Ser739Pro). This variant is present in population databases (rs749520849, gnomAD 0.0009%). This variant has not been reported in the literature in individuals affected with CTNNA3-related conditions. ClinVar contains an entry for this variant (Variation ID: 4008016). Invitae Evidence Modeling of protein sequence and biophysical properties (such as structural, functional, and spatial information, amino acid conservation, physicochemical variation, residue mobility, and thermodynamic stability) indicates that this missense variant is not expected to disrupt CTNNA3 protein function with a negative predictive value of 80%. In summary, the available evidence is currently insufficient to determine the role of this variant in disease. Therefore, it has been classified as a Variant of Uncertain Significance.

Ambry Genetics
Classification: Uncertain significance. Last evaluated: 2025-03-31. Review status: criteria provided, single submitter. Criteria: Ambry Variant Classification Scheme 2023. Collection method: clinical testing. Allele origin: germline.
Comment: The p.S739P variant (also known as c.2215T>C), located in coding exon 15 of the CTNNA3 gene, results from a T to C substitution at nucleotide position 2215. The serine at codon 739 is replaced by proline, an amino acid with similar properties. This amino acid position is conserved. In addition, the in silico prediction for this alteration is inconclusive. Based on the available evidence, the clinical significance of this variant remains unclear.

Blueprint Genetics
Classification: Uncertain significance. Last evaluated: 2023-08-10. Review status: criteria provided, single submitter. Criteria: ACMG Guidelines, 2015. Collection method: clinical testing. Allele origin: germline.